The following is an entry in ClinVar:

ClinVar aggregate classification (germline): Pathogenic (1 of 4 stars; one submission).

Conditions:
Pyruvate carboxylase deficiency. Also called: LEIGH NECROTIZING ENCEPHALOPATHY DUE TO PYRUVATE CARBOXYLASE DEFICIENCY; LEIGH SYNDROME DUE TO PYRUVATE CARBOXYLASE DEFICIENCY; PC DEFICIENCY; ATAXIA WITH LACTIC ACIDOSIS II; Pyruvate Carboxylase Deficiency Disease. Identifiers: Orphanet 3008, MedGen C0034341, MONDO:0009949, OMIM 266150.

Submission:

Labcorp Genetics (formerly Invitae), Labcorp
Classification: Pathogenic for Pyruvate carboxylase deficiency. Last evaluated: 2020-02-01. Review status: criteria provided, single submitter. Criteria: Invitae Variant Classification Sherloc (09022015). Collection method: clinical testing. Allele origin: germline.
Comment: For these reasons, this variant has been classified as Pathogenic. Loss-of-function variants in PC are known to be pathogenic (PMID: 12112657, 19306334). This variant has not been reported in the literature in individuals with PC-related conditions. This variant is not present in population databases (ExAC no frequency). This sequence change creates a premature translational stop signal (p.Val861Cysfs*47) in the PC gene. It is expected to result in an absent or disrupted protein product.

Literature cited by the submitters: PubMed 12112657; PubMed 19306334.

NM_001040716.2(PC):c.2581del (p.Val861fs)

Gene: PC (pyruvate carboxylase; minus strand). Cytogenetic location: 11q13.2.
Variant type: Deletion.
Coding change: c.2581del on transcript NM_001040716.2 (MANE Select); coding-DNA position 2581, one base deleted (G; older notation c.2581delG).
Protein change: p.Val861fs; shifts the reading frame from valine 861.
Molecular consequence: frameshift variant.
Genome position (GRCh38, 1-based): chr11:66,850,357, C deleted on the plus strand (G on the coding strand, the reverse complement: PC is on the minus strand). VCF-style (leftmost placement, unchanged base first): chr11-66850356-AC-A. GRCh37 (hg19) VCF-style: chr11-66617827-AC-A.
Other names: c.2581del, p.Val861fs (NM_000920.4, NM_022172.3); short protein forms V861fs.
Identifiers: ClinVar variation 1071460 (VCV001071460.7), dbSNP rs2135795582, ClinGen allele CA2499221217.
Genomic context (GRCh38, chr11:66,850,356, plus strand): 5'-ATGCTGTGGGCCTGGAAGTGCAGGTTGGTGTACTGGCCCCCTGGGATCTCATTTTCATAC[AC>A]GTCCGAGTTGCCAGACTTCATGGTGGCCGTGCAGTCGAAGGCCGCGTACAGTCCCCGAGC-3'